The following is an entry in ClinVar:

NM_000059.4(BRCA2):c.6584G>A (p.Gly2195Asp)

Gene: BRCA2 (BRCA2 DNA repair associated; plus strand). Cytogenetic location: 13q13.1.
Variant type: single nucleotide variant.
Coding change: c.6584G>A on transcript NM_000059.4 (MANE Select); coding-DNA position 6584, G replaced by A.
Protein change: p.Gly2195Asp; replaces glycine 2195 with aspartic acid.
Molecular consequence: missense variant. On other transcripts: non-coding transcript variant (1), intron variant (2).
Genome position (GRCh38, 1-based): chr13:32,340,939, G>A. VCF-style: chr13-32340939-G-A. GRCh37 (hg19) VCF-style: chr13-32915076-G-A.
Other names: c.6584G>A, p.Gly2195Asp (NM_001406719.1, NM_001406720.1); c.1910-3619G>A (NM_001406721.1); c.425-3619G>A (NM_001406722.1); short protein forms G2195D.
Identifiers: ClinVar variation 2580949 (VCV002580949.4), dbSNP rs985208973, ClinGen allele CA247514117.

ClinVar aggregate classification (germline): Uncertain significance. Review status: criteria provided, multiple submitters, no conflicts (2 of 4 stars). 3 submissions from 3 submitters: Uncertain significance (3). Last evaluated 2025-07-15.

Conditions:
Hereditary breast ovarian cancer syndrome. Also called: Hereditary breast and ovarian cancer syndrome (HBOC); BRCA1- and BRCA2-Associated Hereditary Breast and Ovarian Cancer; Hereditary breast and ovarian cancer syndrome; Hereditary breast and ovarian cancer; Hereditary breast and/or ovarian cancer syndrome; Breast and ovarian cancer. Identifiers: Orphanet 145, MedGen C0677776, MeSH D061325, MONDO:0003582. Disease mechanism: loss of function.
Hereditary cancer-predisposing syndrome. Also called: Neoplastic Syndromes, Hereditary; Hereditary Cancer Syndrome; Tumor predisposition; Hereditary neoplastic syndrome. Identifiers: Orphanet 140162, MedGen C0027672, MeSH D009386, MONDO:0015356.
Breast-ovarian cancer, familial, susceptibility to, 2 (BROVCA2). Also called: BRCA2 Hereditary Breast and Ovarian Cancer. Identifiers: Orphanet 145, MedGen C2675520, MONDO:0012933, OMIM 612555. Disease mechanism: loss of function.

Allele frequency attached by ClinVar (database versions not stated): TOPMed 0.00001.

Submissions (3):

Labcorp Genetics (formerly Invitae), Labcorp
Classification: Uncertain significance for Hereditary breast ovarian cancer syndrome. Last evaluated: 2025-07-15. Review status: criteria provided, single submitter. Criteria: Invitae Variant Classification Sherloc (09022015). Collection method: clinical testing. Allele origin: germline.
Comment: This sequence change replaces glycine, which is neutral and non-polar, with aspartic acid, which is acidic and polar, at codon 2195 of the BRCA2 protein (p.Gly2195Asp). This variant is not present in population databases (gnomAD no frequency). This variant has not been reported in the literature in individuals affected with BRCA2-related conditions. ClinVar contains an entry for this variant (Variation ID: 2580949). Invitae Evidence Modeling of protein sequence and biophysical properties (such as structural, functional, and spatial information, amino acid conservation, physicochemical variation, residue mobility, and thermodynamic stability) indicates that this missense variant is not expected to disrupt BRCA2 protein function with a negative predictive value of 95%. In summary, the available evidence is currently insufficient to determine the role of this variant in disease. Therefore, it has been classified as a Variant of Uncertain Significance.

Ambry Genetics
Classification: Uncertain significance for Hereditary cancer-predisposing syndrome. Last evaluated: 2025-03-26. Review status: criteria provided, single submitter. Criteria: Ambry Variant Classification Scheme 2023. Collection method: clinical testing. Allele origin: germline.
Comment: The p.G2195D variant (also known as c.6584G>A), located in coding exon 10 of the BRCA2 gene, results from a G to A substitution at nucleotide position 6584. The glycine at codon 2195 is replaced by aspartic acid, an amino acid with similar properties. This amino acid position is not well conserved in available vertebrate species. In addition, the in silico prediction for this alteration is inconclusive. Based on the available evidence, the clinical significance of this variant remains unclear.

Dr. med. U. Finckh, Human Genetics, Eurofins MVZ
Classification: Uncertain significance for Breast-ovarian cancer, familial, susceptibility to, 2. Last evaluated: 2021-12-15. Review status: criteria provided, single submitter. Criteria: ACMG Guidelines, 2015. Collection method: clinical testing. Allele origin: unknown. Observed: 1 heterozygote.